The following is an entry in ClinVar:

NM_012471.3(TRPC5):c.323TGG[1] (p.Val109del)

Gene: TRPC5 (transient receptor potential cation channel subfamily C member 5; minus strand). Cytogenetic location: Xq23.
Variant type: Microsatellite.
Coding change: c.323TGG[1] on transcript NM_012471.3 (MANE Select); one copy of the 3-base unit TGG starting at c.323; the reference has two copies in a row; one copy, 3 bases deleted.
Protein change: p.Val109del; deletes valine 109.
Molecular consequence: inframe deletion. On other transcripts: inframe indel (2).
Genome position (GRCh38, 1-based): chrX:111,952,093-111,952,095, CCA deleted on the plus strand (TGG on the coding strand, the reverse complement: TRPC5 is on the minus strand); deleting any 3 consecutive bases within chrX:111,952,093-111,952,099 gives the same sequence; the position shown is the placement nearest the transcript's 3' end. VCF-style (leftmost placement, unchanged base first): chrX-111952092-CCCA-C. GRCh37 (hg19) VCF-style: chrX-111195320-CCCA-C.
Other names: c.322_324GTG[1], p.Val109del (NM_012471.2); c.326_328delTGG (NM_012471.2); short protein forms V109del.
Identifiers: ClinVar variation 4994492 (VCV004994492.1).

ClinVar aggregate classification (germline): Uncertain significance (1 of 4 stars; one submission).

Conditions:
TRPC5-related disorder. Also called: TRPC5-related condition.

Submission:

PreventionGenetics, part of Exact Sciences
Classification: Uncertain significance for TRPC5-related condition. Last evaluated: 2025-12-23. Review status: criteria provided, single submitter. Criteria: ACMG Guidelines, 2015. Collection method: clinical testing. Allele origin: germline.
Comment: The TRPC5 c.326_328delTGG variant is predicted to result in an in-frame deletion (p.Val109del). To our knowledge, this variant has not been reported in the literature or in a large population database (gnomAD), indicating this variant is rare. At this time, the clinical significance of this variant is uncertain due to the absence of conclusive functional and genetic evidence.